The following is an entry in ClinVar:

ClinVar aggregate classification (germline): Uncertain significance (1 of 4 stars; one submission).

Conditions:
Developmental delay with or without dysmorphic facies and autism. Identifiers: MedGen C5193106, MONDO:0032760, OMIM 618454.

Submission:

3billion
Classification: Uncertain significance for Developmental delay with or without dysmorphic facies and autism. Last evaluated: 2023-02-23. Review status: criteria provided, single submitter. Criteria: ACMG Guidelines, 2015. Collection method: clinical testing. Allele origin: unknown. Affected: yes.
Comment: The variant is not observed in the gnomAD v2.1.1 dataset. Missense changes are a common disease-causing mechanism. In silico tool predictions suggest damaging effect of the variant on gene or gene product (REVEL: 0.67). A different missense change at the same codon (p.Gly1111Trp) has been reported to be associated with TRRAP related disorder (PMID: 30827496). However, the evidence of pathogenicity is insufficient at this time. Therefore, this variant is classified as VUS according to the recommendation of ACMG/AMP guideline.

Literature cited by the submitters: PubMed 30827496.

NM_001375524.1(TRRAP):c.3331G>A (p.Gly1111Arg)

Gene: TRRAP (transformation/transcription domain associated protein; plus strand). Cytogenetic location: 7q22.1.
Variant type: single nucleotide variant.
Coding change: c.3331G>A on transcript NM_001375524.1 (MANE Select); coding-DNA position 3331, G replaced by A.
Protein change: p.Gly1111Arg; replaces glycine 1111 with arginine.
Molecular consequence: missense variant.
Genome position (GRCh38, 1-based): chr7:98,930,144, G>A. VCF-style: chr7-98930144-G-A. GRCh37 (hg19) VCF-style: chr7-98527767-G-A.
Other names: c.3331G>A, p.Gly1111Arg (NM_001244580.2, NM_003496.4); short protein forms G1111R.
Identifiers: ClinVar variation 2444292 (VCV002444292.1), dbSNP rs2484776956, ClinGen allele CA368299142.